The following is an entry in ClinVar:

ClinVar aggregate classification (germline): Uncertain significance (1 of 4 stars; one submission).

Submission:

GeneDx
Classification: Uncertain significance. Last evaluated: 2023-08-01. Review status: criteria provided, single submitter. Criteria: GeneDx Variant Classification Process June 2021. Collection method: clinical testing. Allele origin: germline. Affected: yes.
Comment: Not observed at significant frequency in large population cohorts (gnomAD); In silico analysis supports that this missense variant has a deleterious effect on protein structure/function; Has not been previously published as pathogenic or benign to our knowledge

NM_001374828.1(ARID1B):c.3102C>G (p.Phe1034Leu)

Gene: ARID1B (AT-rich interaction domain 1B; plus strand). Cytogenetic location: 6q25.3.
Variant type: single nucleotide variant.
Coding change: c.3102C>G on transcript NM_001374828.1 (MANE Select); coding-DNA position 3102, C replaced by G.
Protein change: p.Phe1034Leu; replaces phenylalanine 1034 with leucine.
Molecular consequence: missense variant.
Genome position (GRCh38, 1-based): chr6:157,167,052, C>G. VCF-style: chr6-157167052-C-G. GRCh37 (hg19) VCF-style: chr6-157488186-C-G.
Other names: c.2892C>G (NM_020732.3); c.603C>G, p.Phe201Leu (NM_001363725.2); c.3141C>G, p.Phe1047Leu (NM_001371656.1, NM_001374820.1); c.3102C>G, p.Phe1034Leu (NM_017519.3); short protein forms F1034L, F1047L, F201L.
Identifiers: ClinVar variation 3361835 (VCV003361835.1).